The following is an entry in ClinVar:

ClinVar aggregate classification (germline): Uncertain significance (1 of 4 stars; one submission).

Conditions:
Fanconi anemia (FA). Also called: Fanconi's anemia. Identifiers: Orphanet 84, MedGen C0015625, MeSH D005199, MONDO:0019391.

Submission:

Labcorp Genetics (formerly Invitae), Labcorp
Classification: Uncertain significance for Fanconi anemia. Last evaluated: 2021-08-26. Review status: criteria provided, single submitter. Criteria: Invitae Variant Classification Sherloc (09022015). Collection method: clinical testing. Allele origin: germline.
Comment: This sequence change replaces serine with asparagine at codon 249 of the FANCI protein (p.Ser249Asn). The serine residue is weakly conserved and there is a small physicochemical difference between serine and asparagine. This variant is not present in population databases (ExAC no frequency). This variant has not been reported in the literature in individuals affected with FANCI-related conditions. Algorithms developed to predict the effect of missense changes on protein structure and function (SIFT, PolyPhen-2, Align-GVGD) all suggest that this variant is likely to be tolerated. In summary, the available evidence is currently insufficient to determine the role of this variant in disease. Therefore, it has been classified as a Variant of Uncertain Significance.

NM_001113378.2(FANCI):c.746G>A (p.Ser249Asn)

Gene: FANCI (FA complementation group I; plus strand). Cytogenetic location: 15q26.1.
Variant type: single nucleotide variant.
Coding change: c.746G>A on transcript NM_001113378.2 (MANE Select); coding-DNA position 746, G replaced by A.
Protein change: p.Ser249Asn; replaces serine 249 with asparagine.
Molecular consequence: missense variant.
Genome position (GRCh38, 1-based): chr15:89,264,598, G>A. VCF-style: chr15-89264598-G-A. GRCh37 (hg19) VCF-style: chr15-89807829-G-A.
Other names: c.467G>A, p.Ser156Asn (NM_001376910.1); c.746G>A, p.Ser249Asn (NM_001376911.1, NM_018193.3); short protein forms S249N, S156N.
Identifiers: ClinVar variation 952625 (VCV000952625.7), dbSNP rs2052858701, ClinGen allele CA393739636.